The following is an entry in ClinVar:

ClinVar aggregate classification (germline): Uncertain significance. Review status: criteria provided, multiple submitters, no conflicts (2 of 4 stars). 2 submissions from 2 submitters: Uncertain significance (2). Last evaluated 2024-10-06.

Conditions:
Rafiq syndrome (RAFQS). Identifiers: Orphanet 88616, MedGen C3280127, MONDO:0013624, OMIM 614202.
Inborn genetic diseases. Identifiers: MedGen C0950123, MeSH D030342.

Allele frequency attached by ClinVar (database versions not stated): ExAC 0.00003; TOPMed 0.00006; gnomAD 0.00007; ESP Exome Variant Server 0.00015.
gnomAD v4.1: 16 of 1,603,358 alleles (0.001%); highest among the groups gnomAD compares: African/African-American, 0.02%; no homozygotes.

Submissions (2):

Ambry Genetics
Classification: Uncertain significance for Inborn genetic diseases. Last evaluated: 2024-10-06. Review status: criteria provided, single submitter. Criteria: Ambry Variant Classification Scheme 2023. Collection method: clinical testing. Allele origin: germline.

Labcorp Genetics (formerly Invitae), Labcorp
Classification: Uncertain significance for Rafiq syndrome. Last evaluated: 2022-11-24. Review status: criteria provided, single submitter. Criteria: Invitae Variant Classification Sherloc (09022015). Collection method: clinical testing. Allele origin: germline.
Comment: In summary, the available evidence is currently insufficient to determine the role of this variant in disease. Therefore, it has been classified as a Variant of Uncertain Significance. This sequence change replaces glycine, which is neutral and non-polar, with alanine, which is neutral and non-polar, at codon 13 of the MAN1B1 protein (p.Gly13Ala). This variant is present in population databases (rs146947791, gnomAD 0.01%). This variant has not been reported in the literature in individuals affected with MAN1B1-related conditions. Algorithms developed to predict the effect of missense changes on protein structure and function are either unavailable or do not agree on the potential impact of this missense change (SIFT: "Deleterious"; PolyPhen-2: "Benign"; Align-GVGD: "Class C0").

NM_016219.5(MAN1B1):c.38G>C (p.Gly13Ala)

Genes: MAN1B1 (mannosidase alpha class 1B member 1; plus strand), LOC130003078 (ATAC-STARR-seq lymphoblastoid active region 29343; plus strand). Cytogenetic location: 9q34.3.
Variant type: single nucleotide variant.
Coding change: c.38G>C on transcript NM_016219.5 (MANE Select); coding-DNA position 38, G replaced by C.
Protein change: p.Gly13Ala; replaces glycine 13 with alanine.
Molecular consequence: missense variant. On other transcripts: non-coding transcript variant (2).
Genome position (GRCh38, 1-based): chr9:137,087,037, G>C. VCF-style: chr9-137087037-G-C. GRCh37 (hg19) VCF-style: chr9-139981489-G-C.
Other names: c.-71G>C (NM_007230.1); c.38G>C (NM_016219.3); short protein forms G13A.
Identifiers: ClinVar variation 2139615 (VCV002139615.4), dbSNP rs146947791, ClinGen allele CA5358440.